The following is an entry in ClinVar:

ClinVar aggregate classification (germline): Uncertain significance (1 of 4 stars; one submission).

Conditions:
Long QT syndrome (LQTS). Identifiers: MedGen C0023976, MeSH D008133, MONDO:0002442. Disease mechanism: loss of function. Inheritance: Various modes of inheritance.

Submission:

Labcorp Genetics (formerly Invitae), Labcorp
Classification: Uncertain significance for Long QT syndrome. Last evaluated: 2025-12-03. Review status: criteria provided, single submitter. Criteria: Invitae Variant Classification Sherloc (09022015). Collection method: clinical testing. Allele origin: germline.
Comment: This sequence change replaces isoleucine, which is neutral and non-polar, with methionine, which is neutral and non-polar, at codon 583 of the KCNH2 protein (p.Ile583Met). This variant is not present in population databases (gnomAD no frequency). This variant has not been reported in the literature in individuals affected with KCNH2-related conditions. ClinVar contains an entry for this variant (Variation ID: 1023474). An algorithm developed to predict the effect of missense changes on protein structure and function (PolyPhen-2) suggests that this variant is likely to be disruptive. In summary, the available evidence is currently insufficient to determine the role of this variant in disease. Therefore, it has been classified as a Variant of Uncertain Significance.

NM_000238.4(KCNH2):c.1749C>G (p.Ile583Met)

Gene: KCNH2 (potassium voltage-gated channel subfamily H member 2; minus strand). Cytogenetic location: 7q36.1.
Variant type: single nucleotide variant.
Coding change: c.1749C>G on transcript NM_000238.4 (MANE Select); coding-DNA position 1749, C replaced by G.
Protein change: p.Ile583Met; replaces isoleucine 583 with methionine.
Molecular consequence: missense variant.
Genome position (GRCh38, 1-based): chr7:150,951,644, G>C on the plus strand (C>G on the coding strand, the complement: KCNH2 is on the minus strand). VCF-style: chr7-150951644-G-C. GRCh37 (hg19) VCF-style: chr7-150648732-G-C.
Other names: c.729C>G, p.Ile243Met (NM_001204798.2, NM_172057.3); c.1461C>G, p.Ile487Met (NM_001406753.1, NM_001406756.1); c.1572C>G, p.Ile524Met (NM_001406755.1); c.1449C>G, p.Ile483Met (NM_001406757.1); c.1749C>G, p.Ile583Met (NM_172056.3); short protein forms I243M, I583M, I524M, I483M, I487M.
Identifiers: ClinVar variation 1023474 (VCV001023474.9), dbSNP rs765893780, ClinGen allele CA369858137.